The following is an entry in ClinVar:

ClinVar aggregate classification (germline): Likely benign (1 of 4 stars; one submission).

gnomAD v4.1: 2 of 1,614,090 alleles (0.00012%); highest among the groups gnomAD compares: Non-Finnish European, 0.00017%; no homozygotes.

Submission:

CeGaT Center for Human Genetics Tuebingen
Classification: Likely benign. Last evaluated: 2026-04-01. Review status: criteria provided, single submitter. Criteria: CeGaT Center For Human Genetics Tuebingen Variant Classification Criteria Version 2. Collection method: clinical testing. Allele origin: germline. Affected: yes. Observed: 1 variant allele.
Comment: RTN4IP1: BP4, BP7

NM_032730.5(RTN4IP1):c.123T>C (p.Thr41=)

Gene: RTN4IP1 (reticulon 4 interacting protein 1; minus strand). Cytogenetic location: 6q21.
Variant type: single nucleotide variant.
Coding change: c.123T>C on transcript NM_032730.5 (MANE Select); coding-DNA position 123, T replaced by C.
Protein change: p.Thr41=; no amino-acid change (threonine 41 retained).
Molecular consequence: synonymous variant. On other transcripts: intron variant (1).
Genome position (GRCh38, 1-based): chr6:106,628,899, A>G on the plus strand (T>C on the coding strand, the complement: RTN4IP1 is on the minus strand). VCF-style: chr6-106628899-A-G. GRCh37 (hg19) VCF-style: chr6-107076774-A-G.
Other names: c.-27+1428T>C (NM_001318746.1).
Identifiers: ClinVar variation 4874240 (VCV004874240.2).
Genomic context (GRCh38, chr6:106,628,899, plus strand): 5'-CTGAGTGAATCGAAGCACTTCATTCTTCCCATATTTATCTATCACCCAAGCAGGCATGAC[A>G]GTGCTCCTAGGAGAGGTAGTACTAATCCTTCTAACTGAAGGCTTTTGGACAACTTTGCTT-3'
Protein context (NP_116119.2, residues 31-51): RRISTTSPRS[Thr41=]VMPAWVIDKY